The following is an entry in ClinVar:

ClinVar aggregate classification (germline): Likely benign (0 of 4 stars; one submission).

Conditions:
ECEL1-related disorder. Also called: ECEL1-related condition.

Allele frequency attached by ClinVar (database versions not stated): TOPMed 0.00009; gnomAD exomes 0.00013; gnomAD 0.00007; ESP Exome Variant Server 0.00008; 1000 Genomes Project 30x 0.00016; ExAC 0.00016; 1000 Genomes Project 0.00020.
gnomAD v4.1: 196 of 1,613,842 alleles (0.012%); highest among the groups gnomAD compares: Middle Eastern, 0.017%; no homozygotes.

Submission:

PreventionGenetics, part of Exact Sciences
Classification: Likely benign for ECEL1-related condition. Last evaluated: 2019-05-06. Review status: no assertion criteria provided. Collection method: clinical testing. Allele origin: germline.
Comment: This variant is classified as likely benign based on ACMG/AMP sequence variant interpretation guidelines (Richards et al. 2015 PMID: 25741868, with internal and published modifications).

NM_004826.4(ECEL1):c.2228+4T>A

Gene: ECEL1 (endothelin converting enzyme like 1; minus strand). Cytogenetic location: 2q37.1.
Variant type: single nucleotide variant.
Coding change: c.2228+4T>A on transcript NM_004826.4 (MANE Select); 4 bases into the intron after coding-DNA position 2228, T replaced by A.
Molecular consequence: intron variant.
Genome position (GRCh38, 1-based): chr2:232,480,395, A>T on the plus strand (T>A on the coding strand, the complement: ECEL1 is on the minus strand). VCF-style: chr2-232480395-A-T. GRCh37 (hg19) VCF-style: chr2-233345105-A-T.
Other names: c.2222+4T>A (NM_001290787.2).
Identifiers: ClinVar variation 3037750 (VCV003037750.2), dbSNP rs200522532, ClinGen allele CA2166880.